The following is an entry in ClinVar:

ClinVar aggregate classification (germline): Uncertain significance (1 of 4 stars; one submission).

Allele frequency attached by ClinVar (database versions not stated): gnomAD exomes below 0.00001; TOPMed 0.00001.
gnomAD v4.1: 3 of 1,550,096 alleles (0.00019%); highest among the groups gnomAD compares: Middle Eastern, 0.017%; no homozygotes.

Submission:

Labcorp Genetics (formerly Invitae), Labcorp
Classification: Uncertain significance. Last evaluated: 2026-01-04. Review status: criteria provided, single submitter. Criteria: Invitae Variant Classification Sherloc (09022015). Collection method: clinical testing. Allele origin: germline.
Comment: This sequence change falls in intron 1 of the GINS1 gene. It does not directly change the encoded amino acid sequence of the GINS1 protein. It affects a nucleotide within the consensus splice site. This variant is not present in population databases (gnomAD no frequency). This variant has not been reported in the literature in individuals affected with GINS1-related conditions. ClinVar contains an entry for this variant (Variation ID: 2788398). Variants that disrupt the consensus splice site are a relatively common cause of aberrant splicing (PMID: 17576681, 9536098). Algorithms developed to predict the effect of sequence changes on RNA splicing suggest that this variant is not likely to affect RNA splicing. In summary, the available evidence is currently insufficient to determine the role of this variant in disease. Therefore, it has been classified as a Variant of Uncertain Significance.

Literature cited by the submitters: PubMed 17576681; PubMed 9536098.

NM_021067.5(GINS1):c.76-3T>C

Gene: GINS1 (GINS complex subunit 1; plus strand). Cytogenetic location: 20p11.21.
Variant type: single nucleotide variant.
Coding change: c.76-3T>C on transcript NM_021067.5 (MANE Select); 3 bases into the intron before coding-DNA position 76, T replaced by C.
Molecular consequence: intron variant.
Genome position (GRCh38, 1-based): chr20:25,413,787, T>C. VCF-style: chr20-25413787-T-C. GRCh37 (hg19) VCF-style: chr20-25394423-T-C.
Other names: c.76-3T>C (NM_001410830.1); c.75+5892T>C (NM_001410831.1).
Identifiers: ClinVar variation 2788398 (VCV002788398.3), dbSNP rs2090302653, ClinGen allele CA1016402682.